The following is an entry in ClinVar:

NM_002471.4(MYH6):c.2440C>A (p.Leu814Met)

Gene: MYH6 (myosin heavy chain 6; minus strand). Cytogenetic location: 14q11.2.
Variant type: single nucleotide variant.
Coding change: c.2440C>A on transcript NM_002471.4 (MANE Select); coding-DNA position 2440, C replaced by A.
Protein change: p.Leu814Met; replaces leucine 814 with methionine.
Molecular consequence: missense variant.
Genome position (GRCh38, 1-based): chr14:23,394,313, G>T on the plus strand (C>A on the coding strand, the complement: MYH6 is on the minus strand). VCF-style: chr14-23394313-G-T. GRCh37 (hg19) VCF-style: chr14-23863522-G-T.
Other names: p.Leu814Met; short protein forms L814M.
Identifiers: ClinVar variation 312870 (VCV000312870.21), dbSNP rs150675144, ClinGen allele CA7115450.

ClinVar aggregate classification (germline): Uncertain significance. Review status: criteria provided, multiple submitters, no conflicts (2 of 4 stars). 5 submissions from 5 submitters: Uncertain significance (5). Last evaluated 2025-11-08.

Conditions:
Cardiovascular phenotype. Identifiers: MedGen CN230736.
Atrial septal defect 3 (ASD3). Identifiers: Orphanet 1478, MedGen C3279790, MONDO:0013567, OMIM 614089.
Dilated cardiomyopathy 1EE (CMD1EE). Identifiers: Orphanet 154, MedGen C2750466, MONDO:0013198, OMIM 613252.
Sick sinus syndrome 3, susceptibility to (SSS3). Identifiers: Orphanet 166282, MedGen C3279791, MONDO:0013568, OMIM 614090.
Hypertrophic cardiomyopathy 14. Identifiers: MedGen C2750467, MONDO:0013197, OMIM 613251.
Hypertrophic cardiomyopathy 1 (CMH1). Also called: Familial hypertrophic cardiomyopathy 1; MYH7-Related Familial Hypertrophic Cardiomyopathy. Identifiers: MedGen C3495498, MONDO:0008647, OMIM 192600.

Allele frequency attached by ClinVar (database versions not stated): TOPMed 0.00002; ESP Exome Variant Server 0.00008.
gnomAD v4.1: 40 of 1,614,058 alleles (0.0025%); highest among the groups gnomAD compares: Middle Eastern, 0.033%; no homozygotes.

Submissions (5):

Labcorp Genetics (formerly Invitae), Labcorp
Classification: Uncertain significance for Hypertrophic cardiomyopathy 14. Last evaluated: 2025-11-08. Review status: criteria provided, single submitter. Criteria: Invitae Variant Classification Sherloc (09022015). Collection method: clinical testing. Allele origin: germline.
Comment: This sequence change replaces leucine, which is neutral and non-polar, with methionine, which is neutral and non-polar, at codon 814 of the MYH6 protein (p.Leu814Met). This variant is present in population databases (rs150675144, gnomAD 0.006%). This missense change has been observed in individual(s) with Brugada syndrome (PMID: 26220970). ClinVar contains an entry for this variant (Variation ID: 312870). Invitae Evidence Modeling of protein sequence and biophysical properties (such as structural, functional, and spatial information, amino acid conservation, physicochemical variation, residue mobility, and thermodynamic stability) indicates that this missense variant is not expected to disrupt MYH6 protein function with a negative predictive value of 80%. In summary, the available evidence is currently insufficient to determine the role of this variant in disease. Therefore, it has been classified as a Variant of Uncertain Significance.

Ambry Genetics
Classification: Uncertain significance for Cardiovascular phenotype. Last evaluated: 2024-03-05. Review status: criteria provided, single submitter. Criteria: Ambry Variant Classification Scheme 2023. Collection method: clinical testing. Allele origin: germline.
Comment: The p.L814M variant (also known as c.2440C>A), located in coding exon 19 of the MYH6 gene, results from a C to A substitution at nucleotide position 2440. The leucine at codon 814 is replaced by methionine, an amino acid with highly similar properties. This variant has been detected in a suspected Brugada syndrome cohort; however, details were not provided (Di Resta C et al. Hum Mol Genet. 2015 Oct;24(20):5828-35). This amino acid position is well conserved in available vertebrate species. In addition, this alteration is predicted to be tolerated by in silico analysis. Since supporting evidence is limited at this time, the clinical significance of this alteration remains unclear.

Fulgent Genetics
Classification: Uncertain significance for Hypertrophic cardiomyopathy 1; Hypertrophic cardiomyopathy 14; Dilated cardiomyopathy 1EE; Atrial septal defect 3; Sick sinus syndrome 3, susceptibility to. Last evaluated: 2021-09-08. Review status: criteria provided, single submitter. Criteria: ACMG Guidelines, 2015. Collection method: clinical testing. Allele origin: unknown.

Mayo Clinic Laboratories, Mayo Clinic
Classification: Uncertain significance. Last evaluated: 2021-07-13. Review status: criteria provided, single submitter. Criteria: ACMG Guidelines, 2015. Collection method: clinical testing. Allele origin: germline.

Breakthrough Genomics
Classification: Uncertain significance. Review status: criteria provided, single submitter. Criteria: ACMG Guidelines, 2015. Collection method: not provided. Allele origin: germline. Inheritance: Autosomal dominant inheritance. Affected: yes.

Literature cited by the submitters: PubMed 26220970 (cited by Labcorp Genetics (formerly Invitae), Labcorp and Ambry Genetics).